The following is an entry in ClinVar:

NM_001242896.3(DEPDC5):c.324T>G (p.Tyr108Ter)

Gene: DEPDC5 (DEP domain containing 5, GATOR1 subcomplex subunit; plus strand). Cytogenetic location: 22q12.2.
Variant type: single nucleotide variant.
Coding change: c.324T>G on transcript NM_001242896.3 (MANE Select); coding-DNA position 324, T replaced by G.
Protein change: p.Tyr108Ter; replaces tyrosine 108 with a stop codon.
Molecular consequence: nonsense. On other transcripts: non-coding transcript variant (5), intron variant (2).
Genome position (GRCh38, 1-based): chr22:31,766,629, T>G. VCF-style: chr22-31766629-T-G. GRCh37 (hg19) VCF-style: chr22-32162615-T-G.
Other names: c.324T>G, p.Tyr108Ter (NM_001007188.4, NM_001136029.4, NM_001242897.2 and 7 more transcripts); c.279+1569T>G (NM_001369902.1, NM_001369901.1); short protein forms Y108*.
Identifiers: ClinVar variation 1385935 (VCV001385935.6), dbSNP rs2148128349, ClinGen allele CA411282402.

ClinVar aggregate classification (germline): Pathogenic (1 of 4 stars; one submission).

Conditions:
Familial focal epilepsy with variable foci (FPEVF). Identifiers: Orphanet 98820, MedGen C1858477, MONDO:0020310.

Submission:

Labcorp Genetics (formerly Invitae), Labcorp
Classification: Pathogenic for Familial focal epilepsy with variable foci. Last evaluated: 2023-02-14. Review status: criteria provided, single submitter. Criteria: Invitae Variant Classification Sherloc (09022015). Collection method: clinical testing. Allele origin: germline.
Comment: This sequence change creates a premature translational stop signal (p.Tyr108*) in the DEPDC5 gene. It is expected to result in an absent or disrupted protein product. Loss-of-function variants in DEPDC5 are known to be pathogenic (PMID: 23542697, 23542701). For these reasons, this variant has been classified as Pathogenic. ClinVar contains an entry for this variant (Variation ID: 1385935). This variant has not been reported in the literature in individuals affected with DEPDC5-related conditions. This variant is not present in population databases (gnomAD no frequency).

Literature cited by the submitters: PubMed 23542697; PubMed 23542701.